The following is an entry in ClinVar:

ClinVar aggregate classification (germline): Uncertain significance. Review status: criteria provided, multiple submitters, no conflicts (2 of 4 stars). 2 submissions from 2 submitters: Uncertain significance (2). Last evaluated 2024-11-07.

Conditions:
Inborn genetic diseases. Identifiers: MedGen C0950123, MeSH D030342.

Submissions (2):

Ambry Genetics
Classification: Uncertain significance for Inborn genetic diseases. Last evaluated: 2024-11-07. Review status: criteria provided, single submitter. Criteria: Ambry Variant Classification Scheme 2023. Collection method: clinical testing. Allele origin: germline.

Labcorp Genetics (formerly Invitae), Labcorp
Classification: Uncertain significance. Last evaluated: 2024-10-13. Review status: criteria provided, single submitter. Criteria: Invitae Variant Classification Sherloc (09022015). Collection method: clinical testing. Allele origin: germline.
Comment: This sequence change replaces proline, which is neutral and non-polar, with threonine, which is neutral and polar, at codon 396 of the PRDM13 protein (p.Pro396Thr). This variant is not present in population databases (gnomAD no frequency). This variant has not been reported in the literature in individuals affected with PRDM13-related conditions. An algorithm developed to predict the effect of missense changes on protein structure and function outputs the following: PolyPhen-2: "Benign". The threonine amino acid residue is found in multiple mammalian species, which suggests that this missense change does not adversely affect protein function. In summary, the available evidence is currently insufficient to determine the role of this variant in disease. Therefore, it has been classified as a Variant of Uncertain Significance.

NM_021620.4(PRDM13):c.1186C>A (p.Pro396Thr)

Gene: PRDM13 (PR/SET domain 13; plus strand). Cytogenetic location: 6q16.2.
Variant type: single nucleotide variant.
Coding change: c.1186C>A on transcript NM_021620.4 (MANE Select); coding-DNA position 1186, C replaced by A.
Protein change: p.Pro396Thr; replaces proline 396 with threonine.
Molecular consequence: missense variant.
Genome position (GRCh38, 1-based): chr6:99,613,821, C>A. VCF-style: chr6-99613821-C-A. GRCh37 (hg19) VCF-style: chr6-100061697-C-A.
Other names: short protein forms P396T.
Identifiers: ClinVar variation 3424637 (VCV003424637.3).